The following is an entry in ClinVar:

ClinVar aggregate classification (germline): Pathogenic (1 of 4 stars; one submission).

Conditions:
Familial cancer of breast. Also called: BREAST CANCER, FAMILIAL; Hereditary breast cancer; hereditary breast carcinoma. Identifiers: Orphanet 227535, MedGen C0346153, MONDO:0016419, OMIM 114480. Disease mechanism: loss of function.

Submission:

Myriad Genetics, Inc.
Classification: Pathogenic for Familial cancer of breast. Last evaluated: 2024-01-17. Review status: criteria provided, single submitter. Criteria: Myriad Autosomal Dominant, Autosomal Recessive and X-Linked Classification Criteria (2023). Collection method: clinical testing. Allele origin: unknown.
Comment: This variant is considered pathogenic. This variant creates a termination codon and is predicted to result in premature protein truncation.

NM_000051.4(ATM):c.2360T>A (p.Leu787Ter)

Gene: ATM (ATM serine/threonine kinase; plus strand). Cytogenetic location: 11q22.3.
Variant type: single nucleotide variant.
Coding change: c.2360T>A on transcript NM_000051.4 (MANE Select); coding-DNA position 2360, T replaced by A.
Protein change: p.Leu787Ter; replaces leucine 787 with a stop codon.
Molecular consequence: nonsense.
Genome position (GRCh38, 1-based): chr11:108,257,590, T>A. VCF-style: chr11-108257590-T-A. GRCh37 (hg19) VCF-style: chr11-108128317-T-A.
Other names: c.2360T>A, p.Leu787Ter (NM_001351834.2); short protein forms L787*.
Identifiers: ClinVar variation 3148432 (VCV003148432.1), dbSNP rs2135408030, ClinGen allele CA382540319.